The following is an entry in ClinVar:

NM_001999.4(FBN2):c.2615C>A (p.Ser872Tyr)

Gene: FBN2 (fibrillin 2; minus strand). Cytogenetic location: 5q23.3.
Variant type: single nucleotide variant.
Coding change: c.2615C>A on transcript NM_001999.4 (MANE Select); coding-DNA position 2615, C replaced by A.
Protein change: p.Ser872Tyr; replaces serine 872 with tyrosine.
Molecular consequence: missense variant.
Genome position (GRCh38, 1-based): chr5:128,357,335, G>T on the plus strand (C>A on the coding strand, the complement: FBN2 is on the minus strand). VCF-style: chr5-128357335-G-T. GRCh37 (hg19) VCF-style: chr5-127693027-G-T.
Other names: short protein forms S872Y.
Identifiers: ClinVar variation 2755548 (VCV002755548.3), dbSNP rs2479328585, ClinGen allele CA360767406.

ClinVar aggregate classification (germline): Uncertain significance (1 of 4 stars; one submission).

Conditions:
Congenital contractural arachnodactyly (CCA). Also called: BEALS SYNDROME; Beals-Hecht syndrome; Arthrogryposis, distal, type 9. Identifiers: Orphanet 115, MedGen C0220668, MONDO:0007363, OMIM 121050.

Submission:

Labcorp Genetics (formerly Invitae), Labcorp
Classification: Uncertain significance for Congenital contractural arachnodactyly. Last evaluated: 2023-08-27. Review status: criteria provided, single submitter. Criteria: Invitae Variant Classification Sherloc (09022015). Collection method: clinical testing. Allele origin: germline.
Comment: In summary, the available evidence is currently insufficient to determine the role of this variant in disease. Therefore, it has been classified as a Variant of Uncertain Significance. Advanced modeling of protein sequence and biophysical properties (such as structural, functional, and spatial information, amino acid conservation, physicochemical variation, residue mobility, and thermodynamic stability) performed at Invitae indicates that this missense variant is expected to disrupt FBN2 protein function. This variant has not been reported in the literature in individuals affected with FBN2-related conditions. This variant is not present in population databases (gnomAD no frequency). This sequence change replaces serine, which is neutral and polar, with tyrosine, which is neutral and polar, at codon 872 of the FBN2 protein (p.Ser872Tyr).